The following is an entry in ClinVar:

ClinVar aggregate classification (germline): Uncertain significance. Review status: criteria provided, multiple submitters, no conflicts (2 of 4 stars). 2 submissions from 2 submitters: Uncertain significance (2). Last evaluated 2025-05-25.

Conditions:
Emery-Dreifuss muscular dystrophy 4, autosomal dominant (EDMD4). Also called: EMERY-DREIFUSS MUSCULAR DYSTROPHY 4 WITH VARIABLE FEATURES. Identifiers: Orphanet 261, MedGen C2751807, MONDO:0013071, OMIM 612998.
Autosomal recessive ataxia, Beauce type. Also called: SYNE1-Related Autosomal Recessive Cerebellar Ataxia; Spinocerebellar ataxia, autosomal recessive 8; ATAXIA, RECESSIVE, OF BEAUCE; SYNE1 Deficiency. Identifiers: Orphanet 88644, MedGen C1853116, MONDO:0012549, OMIM 610743.

Allele frequency attached by ClinVar (database versions not stated): gnomAD 0.00001 and 0.00002; ExAC 0.00002; TOPMed 0.00002; gnomAD exomes 0.00003; 1000 Genomes Project 30x 0.00016; 1000 Genomes Project 0.00020.
gnomAD v4.1: 50 of 1,614,042 alleles (0.0031%); highest among the groups gnomAD compares: Non-Finnish European, 0.0037%; no homozygotes.

Submissions (2):

Mayo Clinic Laboratories, Mayo Clinic
Classification: Uncertain significance. Last evaluated: 2025-05-25. Review status: criteria provided, single submitter. Criteria: ACMG Guidelines, 2015. Collection method: clinical testing. Allele origin: germline. Observed: 1 variant allele.
Comment: PP2

Labcorp Genetics (formerly Invitae), Labcorp
Classification: Uncertain significance for Emery-Dreifuss muscular dystrophy 4, autosomal dominant; Autosomal recessive ataxia, Beauce type. Last evaluated: 2022-05-31. Review status: criteria provided, single submitter. Criteria: Invitae Variant Classification Sherloc (09022015). Collection method: clinical testing. Allele origin: germline.
Comment: ClinVar contains an entry for this variant (Variation ID: 572666). In summary, the available evidence is currently insufficient to determine the role of this variant in disease. Therefore, it has been classified as a Variant of Uncertain Significance. Algorithms developed to predict the effect of missense changes on protein structure and function (SIFT, PolyPhen-2, Align-GVGD) all suggest that this variant is likely to be disruptive. This variant has not been reported in the literature in individuals affected with SYNE1-related conditions. This variant is present in population databases (rs572106956, gnomAD 0.007%). This sequence change replaces arginine, which is basic and polar, with tryptophan, which is neutral and slightly polar, at codon 3790 of the SYNE1 protein (p.Arg3790Trp).

NM_182961.4(SYNE1):c.11413C>T (p.Arg3805Trp)

Gene: SYNE1 (spectrin repeat containing nuclear envelope protein 1; minus strand). Cytogenetic location: 6q25.2.
Variant type: single nucleotide variant.
Coding change: c.11413C>T on transcript NM_182961.4 (MANE Select); coding-DNA position 11413, C replaced by T.
Protein change: p.Arg3805Trp; replaces arginine 3805 with tryptophan.
Molecular consequence: missense variant.
Genome position (GRCh38, 1-based): chr6:152,352,194, G>A on the plus strand (C>T on the coding strand, the complement: SYNE1 is on the minus strand). VCF-style: chr6-152352194-G-A. GRCh37 (hg19) VCF-style: chr6-152673329-G-A.
Other names: p.Arg3790Trp; c.11368C>T, p.Arg3790Trp (NM_033071.5); short protein forms R3790W, R3805W.
Identifiers: ClinVar variation 572666 (VCV000572666.8), dbSNP rs572106956, ClinGen allele CA4056696.